The following is an entry in ClinVar:

ClinVar aggregate classification (germline): Likely benign (1 of 4 stars; one submission).

gnomAD v4.1: 104 of 1,612,530 alleles (0.0064%); highest among the groups gnomAD compares: Middle Eastern, 0.066%; no homozygotes.

Submission:

CeGaT Center for Human Genetics Tuebingen
Classification: Likely benign. Last evaluated: 2025-01-01. Review status: criteria provided, single submitter. Criteria: CeGaT Center For Human Genetics Tuebingen Variant Classification Criteria Version 2. Collection method: clinical testing. Allele origin: germline. Affected: yes. Observed: 1 variant allele.
Comment: SPTBN2: BP4, BP7

NM_006946.4(SPTBN2):c.4092C>T (p.Arg1364=)

Gene: SPTBN2 (spectrin beta, non-erythrocytic 2; minus strand). Cytogenetic location: 11q13.2.
Variant type: single nucleotide variant.
Coding change: c.4092C>T on transcript NM_006946.4 (MANE Select); coding-DNA position 4092, C replaced by T.
Protein change: p.Arg1364=; no amino-acid change (arginine 1364 retained).
Molecular consequence: synonymous variant.
Genome position (GRCh38, 1-based): chr11:66,696,463, G>A on the plus strand (C>T on the coding strand, the complement: SPTBN2 is on the minus strand). VCF-style: chr11-66696463-G-A. GRCh37 (hg19) VCF-style: chr11-66463934-G-A.
Other names: c.4113C>T, p.Arg1371= (NM_001411025.1).
Identifiers: ClinVar variation 3771416 (VCV003771416.13).